The following is an entry in ClinVar:

ClinVar aggregate classification (germline): Conflicting classifications of pathogenicity. Review status: criteria provided, conflicting classifications (1 of 4 stars). 5 submissions from 5 submitters: Likely pathogenic (1); Uncertain significance (4). Last evaluated 2026-08-20.

Conditions:
Cardiovascular phenotype. Identifiers: MedGen CN230736.
Hypertrophic cardiomyopathy 26. Also called: Cardiomyopathy, familial hypertrophic, 26. Identifiers: Orphanet 75249, MedGen C4310749, MONDO:0014883, OMIM 617047.
Myofibrillar myopathy 5. Also called: Filaminopathy (type); FILAMINOPATHY, AUTOSOMAL DOMINANT. Identifiers: Orphanet 171445, MedGen C1836050, MONDO:0012289, OMIM 609524.
Distal myopathy with posterior leg and anterior hand involvement. Also called: WILLIAMS DISTAL MYOPATHY. Identifiers: Orphanet 63273, MedGen C3279722, MONDO:0013550, OMIM 614065.
FLNC-related disorder. Also called: FLNC-related condition; FLNC-related disorders.

Allele frequency attached by ClinVar (database versions not stated): TOPMed below 0.00001; gnomAD exomes 0.00001.
gnomAD v4.1: 17 of 1,613,234 alleles (0.0011%); highest among the groups gnomAD compares: Non-Finnish European, 0.0014%; no homozygotes.

Submissions (5):

Ambry Genetics
Classification: Uncertain significance for Cardiovascular phenotype. Last evaluated: 2026-08-20. Review status: criteria provided, single submitter. Criteria: Ambry Variant Classification Scheme 2023. Collection method: clinical testing. Allele origin: germline.
Comment: The c.2265+5G>A intronic variant results from a G to A substitution 5 nucleotides after coding exon 14 in the FLNC gene. This nucleotide position is highly conserved in available vertebrate species. In silico splice site analysis predicts that this alteration may weaken the native splice donor site. Based on the available evidence, the clinical significance of this variant remains unclear.

Labcorp Genetics (formerly Invitae), Labcorp
Classification: Uncertain significance for Distal myopathy with posterior leg and anterior hand involvement; Myofibrillar myopathy 5; Hypertrophic cardiomyopathy 26. Last evaluated: 2025-11-08. Review status: criteria provided, single submitter. Criteria: Invitae Variant Classification Sherloc (09022015). Collection method: clinical testing. Allele origin: germline.
Comment: This sequence change falls in intron 14 of the FLNC gene. It does not directly change the encoded amino acid sequence of the FLNC protein. It affects a nucleotide within the consensus splice site. This variant is present in population databases (no rsID available, gnomAD 0.002%). This variant has been observed in individual(s) with dilated cardiomyopathy (PMID: 37937776). ClinVar contains an entry for this variant (Variation ID: 1015422). Variants that disrupt the consensus splice site are a relatively common cause of aberrant splicing (PMID: 17576681, 9536098). Algorithms developed to predict the effect of sequence changes on RNA splicing suggest that this variant may disrupt the consensus splice site. In summary, the available evidence is currently insufficient to determine the role of this variant in disease. Therefore, it has been classified as a Variant of Uncertain Significance.

Institute of Immunology and Genetics Kaiserslautern
Classification: Uncertain significance for Hypertrophic cardiomyopathy 26. Last evaluated: 2025-09-19. Review status: criteria provided, single submitter. Criteria: ACMG Guidelines, 2015. Collection method: clinical testing. Allele origin: germline. Affected: yes.
Comment: ACMG Criteria: PM2_P, PP3, PP5; Variant was found in heterozygous state.

PreventionGenetics, part of Exact Sciences
Classification: Uncertain significance for FLNC-related condition. Last evaluated: 2025-03-25. Review status: criteria provided, single submitter. Criteria: ACMG Guidelines, 2015. Collection method: clinical testing. Allele origin: germline.
Comment: The FLNC c.2265+5G>A variant is predicted to interfere with splicing. This variant has been reported in one case of sudden cardiac death suspected of arrhythmogenic cardiomyopathy (ACM) through autopsy, and this variant was found in one family member with ACM. Furthermore, the same study identified this variant in a presumably unrelated individual with dilated cardiomyopathy (van der Crabben et al. 2021. DOI: 10.3390/cardiogenetics11020008). RNA analysis in blood showed that this variant leads to intron retention which is predicted to result in a premature protein termination (van der Crabben et al. 2021. DOI: 10.3390/cardiogenetics11020008). This variant has also been associated with cardiomyopathies in a study; however, detailed clinical information was not available (Table S16, Jensson et al. 2023. PubMed ID: 37937776). This variant is reported in 0.0018% of alleles in individuals of European (Non-Finnish) descent in gnomAD. Although we suspect that this variant may be pathogenic, at this time, the clinical significance of this variant is uncertain due to the absence of conclusive functional and genetic evidence.

Blueprint Genetics
Classification: Likely pathogenic for FLNC-related disorders. Last evaluated: 2024-04-03. Review status: criteria provided, single submitter. Criteria: ACMG Guidelines, 2015. Collection method: clinical testing. Allele origin: germline. Affected: yes. Observed: 1 variant allele.

Literature cited by the submitters: PubMed 37937776 (cited by Labcorp Genetics (formerly Invitae), Labcorp); PubMed 17576681 (cited by Labcorp Genetics (formerly Invitae), Labcorp); PubMed 9536098 (cited by Labcorp Genetics (formerly Invitae), Labcorp).

NM_001458.5(FLNC):c.2265+5G>A

Gene: FLNC (filamin C; plus strand). Cytogenetic location: 7q32.1.
Variant type: single nucleotide variant.
Coding change: c.2265+5G>A on transcript NM_001458.5 (MANE Select); 5 bases into the intron after coding-DNA position 2265, G replaced by A.
Molecular consequence: intron variant.
Genome position (GRCh38, 1-based): chr7:128,842,379, G>A. VCF-style: chr7-128842379-G-A. GRCh37 (hg19) VCF-style: chr7-128482433-G-A.
Other names: c.2265+5G>A (NM_001127487.2).
Identifiers: ClinVar variation 1015422 (VCV001015422.13), dbSNP rs1049500135, ClinGen allele CA166217838.